The following is an entry in ClinVar:

NM_025114.4(CEP290):c.6960+257T>C

Gene: CEP290 (centrosomal protein 290; minus strand). Cytogenetic location: 12q21.32.
Variant type: single nucleotide variant.
Coding change: c.6960+257T>C on transcript NM_025114.4 (MANE Select); 257 bases into the intron after coding-DNA position 6960, T replaced by C.
Molecular consequence: intron variant.
Genome position (GRCh38, 1-based): chr12:88,055,319, A>G on the plus strand (T>C on the coding strand, the complement: CEP290 is on the minus strand). VCF-style: chr12-88055319-A-G. GRCh37 (hg19) VCF-style: chr12-88449096-A-G.
Identifiers: ClinVar variation 678616 (VCV000678616.1), dbSNP rs2468242, ClinGen allele CA241147246.

ClinVar aggregate classification (germline): Benign (1 of 4 stars; one submission).

Allele frequency attached by ClinVar (database versions not stated): TOPMed 0.92337; gnomAD 0.92704 and 0.92759; 1000 Genomes Project 30x 0.92926; 1000 Genomes Project 0.92951.
gnomAD v4.1: 141,208 of 152,196 alleles (93%); highest among the groups gnomAD compares: East Asian, 99%; 65,627 homozygotes.

Submission:

GeneDx
Classification: Benign. Last evaluated: 2018-06-14. Review status: criteria provided, single submitter. Criteria: GeneDx Variant Classification (06012015). Collection method: clinical testing. Allele origin: germline. Affected: yes.
Comment: This variant is considered likely benign or benign based on one or more of the following criteria: it is a conservative change, it occurs at a poorly conserved position in the protein, it is predicted to be benign by multiple in silico algorithms, and/or has population frequency not consistent with disease.